The following is an entry in ClinVar:

NM_014989.7(RIMS1):c.3947G>A (p.Arg1316His)

Gene: RIMS1 (regulating synaptic membrane exocytosis 1; plus strand). Cytogenetic location: 6q13.
Variant type: single nucleotide variant.
Coding change: c.3947G>A on transcript NM_014989.7 (MANE Select); coding-DNA position 3947, G replaced by A.
Protein change: p.Arg1316His; replaces arginine 1316 with histidine.
Molecular consequence: missense variant. On other transcripts: intron variant (24).
Genome position (GRCh38, 1-based): chr6:72,307,354, G>A. VCF-style: chr6-72307354-G-A. GRCh37 (hg19) VCF-style: chr6-73017057-G-A.
Other names: c.3947G>A (NM_014989.4); c.1907G>A, p.Arg636His (NM_001168407.2); c.1868G>A, p.Arg623His (NM_001350414.2); c.1991G>A, p.Arg664His (NM_001350415.2); c.1940G>A, p.Arg647His (NM_001350416.2); c.1913G>A, p.Arg638His (NM_001350418.2); c.2021G>A, p.Arg674His (NM_001350420.2); c.1766G>A, p.Arg589His (NM_001350421.2); and 52 more; short protein forms R505H, R531H, R542H, R547H, R612H, R622H, R636H, R651H.
Identifiers: ClinVar variation 1931144 (VCV001931144.6), dbSNP rs756787710, ClinGen allele CA3886399.
Genomic context (GRCh38, chr6:72,307,354, plus strand): 5'-AAATGAAAGTGCATCGATTTAAGCAGACAACAGGGTCTGGTTCTAGTCAAGAACTTGATC[G>A]CGAGCAATATTCCAAGGTAAAATTAGTAGTATCCAACAAATAGTTTCCCTTTTAAAAATG-3'
Protein context (NP_055804.2, residues 1306-1326): TGSGSSQELD[Arg1316His]EQYSKYNIHK

ClinVar aggregate classification (germline): Uncertain significance. Review status: criteria provided, multiple submitters, no conflicts (2 of 4 stars). 2 submissions from 2 submitters: Uncertain significance (2). Last evaluated 2025-10-21.

Allele frequency attached by ClinVar (database versions not stated): gnomAD exomes below 0.00001; gnomAD 0.00001; ExAC 0.00002; TOPMed 0.00002.
gnomAD v4.1: 8 of 1,596,384 alleles (0.0005%); highest among the groups gnomAD compares: South Asian, 0.0046%; no homozygotes.

Submissions (2):

Ambry Genetics
Classification: Uncertain significance. Last evaluated: 2025-10-21. Review status: criteria provided, single submitter. Criteria: Ambry Variant Classification Scheme 2023. Collection method: clinical testing. Allele origin: germline.

Labcorp Genetics (formerly Invitae), Labcorp
Classification: Uncertain significance. Last evaluated: 2025-04-21. Review status: criteria provided, single submitter. Criteria: Invitae Variant Classification Sherloc (09022015). Collection method: clinical testing. Allele origin: germline.
Comment: This sequence change replaces arginine, which is basic and polar, with histidine, which is basic and polar, at codon 1316 of the RIMS1 protein (p.Arg1316His). The frequency data for this variant in the population databases is considered unreliable, as metrics indicate poor data quality at this position in the gnomAD database. This variant has not been reported in the literature in individuals affected with RIMS1-related conditions. ClinVar contains an entry for this variant (Variation ID: 1931144). An algorithm developed to predict the effect of missense changes on protein structure and function outputs the following: PolyPhen-2: "Benign". The histidine amino acid residue is found in multiple mammalian species, which suggests that this missense change does not adversely affect protein function. In summary, the available evidence is currently insufficient to determine the role of this variant in disease. Therefore, it has been classified as a Variant of Uncertain Significance.